The following is an entry in ClinVar:

ClinVar aggregate classification (germline): Benign (1 of 4 stars; one submission).

Conditions:
Cataract 18 (CATC2). Also called: CATARACT 18, AUTOSOMAL RECESSIVE. Identifiers: Orphanet 91492, Orphanet 98991, Orphanet 98992, Orphanet 98995, MedGen C1864908, MONDO:0012395, OMIM 610019.

Allele frequency attached by ClinVar (database versions not stated): gnomAD 0.02197 and 0.02359; TOPMed 0.02461; 1000 Genomes Project 0.02476; 1000 Genomes Project 30x 0.02483.

Submission:

Illumina Laboratory Services, Illumina
Classification: Benign for Cataract 18. Last evaluated: 2018-01-12. Review status: criteria provided, single submitter. Criteria: ICSL Variant Classification Criteria 13 December 2019. Collection method: clinical testing. Allele origin: germline.
Comment: This variant was observed in the ICSL laboratory as part of a predisposition screen in an ostensibly healthy population. It had not been previously curated by ICSL or reported in the Human Gene Mutation Database (HGMD: prior to June 1st, 2018), and was therefore a candidate for classification through an automated scoring system. Utilizing variant allele frequency, disease prevalence and penetrance estimates, and inheritance mode, an automated score was calculated to assess if this variant is too frequent to cause the disease. Based on the score and internal cut-off values, a variant classified as benign is not then subjected to further curation. The score for this variant resulted in a classification of benign for this disease.

NM_024513.4(FYCO1):c.*3439A>T

Gene: FYCO1 (FYVE and coiled-coil domain autophagy adaptor 1; minus strand). Cytogenetic location: 3p21.31.
Variant type: single nucleotide variant.
Coding change: c.*3439A>T on transcript NM_024513.4 (MANE Select); 3439 bases downstream of the stop codon, A replaced by T.
Molecular consequence: 3 prime UTR variant.
Genome position (GRCh38, 1-based): chr3:45,918,326, T>A on the plus strand (A>T on the coding strand, the complement: FYCO1 is on the minus strand). VCF-style: chr3-45918326-T-A. GRCh37 (hg19) VCF-style: chr3-45959818-T-A.
Identifiers: ClinVar variation 345440 (VCV000345440.5), dbSNP rs113723273, ClinGen allele CA10616593.
Genomic context (GRCh38, chr3:45,918,326, plus strand): 5'-CTCCCCAAATTTCAAGATGTACTTTATTATTTTAAAAGTGCTTAAGAGGAAAGAGAGAAT[T>A]ATTAATTCAGTCTCTCCTGTTTCCTTGGAAGAAACATAATGAAATGAGAAGAACTTACTA-3'